The following is an entry in ClinVar:

NM_002890.3(RASA1):c.1278T>G (p.Tyr426Ter)

Genes: CCNH (cyclin H; minus strand), RASA1 (RAS p21 protein activator 1; plus strand). Cytogenetic location: 5q14.3.
Variant type: single nucleotide variant.
Coding change: c.1278T>G on transcript NM_002890.3 (MANE Select); coding-DNA position 1278, T replaced by G.
Protein change: p.Tyr426Ter; replaces tyrosine 426 with a stop codon.
Molecular consequence: nonsense. On other transcripts: intron variant (1).
Genome position (GRCh38, 1-based): chr5:87,353,181, T>G. VCF-style: chr5-87353181-T-G. GRCh37 (hg19) VCF-style: chr5-86648998-T-G.
Other names: c.747T>G, p.Tyr249Ter (NM_022650.3); c.934-40386A>C (NM_001364075.2); short protein forms Y249*, Y426*.
Identifiers: ClinVar variation 4291876 (VCV004291876.1).

ClinVar aggregate classification (germline): Likely pathogenic (1 of 4 stars; one submission).

Conditions:
Capillary malformation-arteriovenous malformation 1 (CMAVM1). Identifiers: Orphanet 137667, Orphanet 693907, MedGen C4747394, MONDO:0020783, OMIM 608354.

Submission:

3billion
Classification: Likely pathogenic for Capillary malformation-arteriovenous malformation 1. Last evaluated: 2024-06-13. Review status: criteria provided, single submitter. Criteria: ACMG Guidelines, 2015. Collection method: clinical testing. Allele origin: germline. Affected: yes.
Comment: The variant is not observed in the gnomAD v4.0.0 dataset. Predicted Consequence/Location: Stop-gained (nonsense): predicted to result in a loss or disruption of normal protein function through nonsense-mediated decay (NMD) or protein truncation. Multiple pathogenic variants are reported downstream of the variant. Therefore, this variant is classified as Likely pathogenic according to the recommendation of ACMG/AMP guideline.